The following is an entry in ClinVar:

ClinVar aggregate classification (germline): Pathogenic (1 of 4 stars; one submission).

Conditions:
Neurofibromatosis, type 1 (NF1). Also called: VON RECKLINGHAUSEN DISEASE; Peripheral type neurofibromatosis; NEUROFIBROMATOSIS, TYPE I, SOMATIC; Neurofibromatosis, type I. Identifiers: Orphanet 636, MedGen C0027831, MONDO:0018975, OMIM 162200. Disease mechanism: loss of function.

Submission:

Labcorp Genetics (formerly Invitae), Labcorp
Classification: Pathogenic for Neurofibromatosis, type 1. Last evaluated: 2023-05-17. Review status: criteria provided, single submitter. Criteria: Invitae Variant Classification Sherloc (09022015). Collection method: clinical testing. Allele origin: germline.
Comment: For these reasons, this variant has been classified as Pathogenic. Algorithms developed to predict the effect of sequence changes on RNA splicing suggest that this variant may create or strengthen a splice site. ClinVar contains an entry for this variant (Variation ID: 1075813). This variant has not been reported in the literature in individuals affected with NF1-related conditions. This variant is not present in population databases (gnomAD no frequency). This sequence change creates a premature translational stop signal (p.Asp830*) in the NF1 gene. It is expected to result in an absent or disrupted protein product. Loss-of-function variants in NF1 are known to be pathogenic (PMID: 10712197, 23913538).

Literature cited by the submitters: PubMed 10712197; PubMed 23913538.

NM_001042492.3(NF1):c.2487dup (p.Asp830Ter)

Gene: NF1 (neurofibromin 1; plus strand). Cytogenetic location: 17q11.2.
Variant type: Duplication.
Coding change: c.2487dup on transcript NM_001042492.3 (MANE Select); coding-DNA position 2487, one base duplicated (T; older notation c.2487dupT).
Protein change: p.Asp830Ter; replaces aspartic acid 830 with a stop codon.
Molecular consequence: nonsense. On other transcripts: frameshift variant (1).
Genome position (GRCh38, 1-based): chr17:31,229,102, T duplicated. VCF-style (leftmost placement, unchanged base first): chr17-31229101-C-CT. GRCh37 (hg19) VCF-style: chr17-29556119-C-CT.
Other names: c.2487dup, p.Asp830Terfs (NM_000267.4); short protein forms D830*.
Identifiers: ClinVar variation 1075813 (VCV001075813.5), dbSNP rs2151428963, ClinGen allele CA2499224059.
Genomic context (GRCh38, chr17:31,229,101, plus strand): 5'-ACAAGACCATTGTTAAGAGGCGAATGTCCCATGTGAGTGGAGGAGGATCCATAGATTTGT[C>CT]TGACACAGACTCCCTACAGGAATGGATCAACATGACTGGCTTCCTTTGTGCCCTTGGGGG-3'